The following is an entry in ClinVar:

ClinVar aggregate classification (germline): Uncertain significance (1 of 4 stars; one submission).

Conditions:
ARL6-related disorder. Also called: ARL6-related condition.

gnomAD v4.1: 1 of 1,613,358 alleles (0.000062%); highest among the groups gnomAD compares: Non-Finnish European, 0.000085%; no homozygotes.

Submission:

PreventionGenetics, part of Exact Sciences
Classification: Uncertain significance for ARL6-related condition. Last evaluated: 2026-08-11. Review status: criteria provided, single submitter. Criteria: ACMG Guidelines, 2015. Collection method: clinical testing. Allele origin: germline.
Comment: The ARL6 c.377T>C variant is predicted to result in the amino acid substitution p.Leu126Ser. To our knowledge, this variant has not been reported in the literature or in a large population database (gnomAD), indicating this variant is rare. At this time, the clinical significance of this variant is uncertain due to the absence of conclusive functional and genetic evidence.

NM_001278293.3(ARL6):c.377T>C (p.Leu126Ser)

Gene: ARL6 (ARF like GTPase 6; plus strand). Cytogenetic location: 3q11.2.
Variant type: single nucleotide variant.
Coding change: c.377T>C on transcript NM_001278293.3 (MANE Select); coding-DNA position 377, T replaced by C.
Protein change: p.Leu126Ser; replaces leucine 126 with serine.
Molecular consequence: missense variant. On other transcripts: non-coding transcript variant (7).
Genome position (GRCh38, 1-based): chr3:97,788,017, T>C. VCF-style: chr3-97788017-T-C. GRCh37 (hg19) VCF-style: chr3-97506861-T-C.
Other names: c.377T>C, p.Leu126Ser (NM_001323513.2, NM_001323514.2, NM_032146.5 and 1 more transcripts); short protein forms L126S.
Identifiers: ClinVar variation 4990886 (VCV004990886.1).